The following is an entry in ClinVar:

ClinVar aggregate classification (germline): Uncertain significance (1 of 4 stars; one submission).

Submission:

Labcorp Genetics (formerly Invitae), Labcorp
Classification: Uncertain significance. Last evaluated: 2025-08-20. Review status: criteria provided, single submitter. Criteria: Invitae Variant Classification Sherloc (09022015). Collection method: clinical testing. Allele origin: germline.
Comment: This sequence change falls in intron 1 of the EMC1 gene. It does not directly change the encoded amino acid sequence of the EMC1 protein. This variant is not present in population databases (gnomAD no frequency). This variant has not been reported in the literature in individuals affected with EMC1-related conditions. Algorithms developed to predict the effect of sequence changes on RNA splicing suggest that this variant may disrupt the consensus splice site. In summary, the available evidence is currently insufficient to determine the role of this variant in disease. Therefore, it has been classified as a Variant of Uncertain Significance.

NM_015047.3(EMC1):c.95+7A>C

Gene: EMC1 (ER membrane protein complex subunit 1; minus strand). Cytogenetic location: 1p36.13.
Variant type: single nucleotide variant.
Coding change: c.95+7A>C on transcript NM_015047.3 (MANE Select); 7 bases into the intron after coding-DNA position 95, A replaced by C.
Molecular consequence: intron variant.
Genome position (GRCh38, 1-based): chr1:19,251,408, T>G on the plus strand (A>C on the coding strand, the complement: EMC1 is on the minus strand). VCF-style: chr1-19251408-T-G. GRCh37 (hg19) VCF-style: chr1-19577902-T-G.
Other names: c.95+7A>C (NM_001271429.2, NM_001271427.2, NM_001375821.1 and 2 more transcripts).
Identifiers: ClinVar variation 4803812 (VCV004803812.1).